The following is an entry in ClinVar:

ClinVar aggregate classification (germline): Uncertain significance (1 of 4 stars; one submission).

Conditions:
Familial cancer of breast. Also called: BREAST CANCER, FAMILIAL; Hereditary breast cancer; hereditary breast carcinoma. Identifiers: Orphanet 227535, MedGen C0346153, MONDO:0016419, OMIM 114480. Disease mechanism: loss of function.
Fanconi anemia complementation group J. Also called: BRIP1-Related Fanconi Anemia. Identifiers: Orphanet 84, MedGen C1836860, MONDO:0012187, OMIM 609054.

Allele frequency attached by ClinVar (database versions not stated): ExAC 0.00001.

Submission:

Labcorp Genetics (formerly Invitae), Labcorp
Classification: Uncertain significance for Familial cancer of breast; Fanconi anemia complementation group J. Last evaluated: 2025-04-07. Review status: criteria provided, single submitter. Criteria: Invitae Variant Classification Sherloc (09022015). Collection method: clinical testing. Allele origin: germline.
Comment: This sequence change replaces valine, which is neutral and non-polar, with isoleucine, which is neutral and non-polar, at codon 1179 of the BRIP1 protein (p.Val1179Ile). This variant is not present in population databases (gnomAD no frequency). This variant has not been reported in the literature in individuals affected with BRIP1-related conditions. ClinVar contains an entry for this variant (Variation ID: 1718306). Invitae Evidence Modeling of protein sequence and biophysical properties (such as structural, functional, and spatial information, amino acid conservation, physicochemical variation, residue mobility, and thermodynamic stability) indicates that this missense variant is not expected to disrupt BRIP1 protein function with a negative predictive value of 95%. In summary, the available evidence is currently insufficient to determine the role of this variant in disease. Therefore, it has been classified as a Variant of Uncertain Significance.

NM_032043.3(BRIP1):c.3535G>A (p.Val1179Ile)

Gene: BRIP1 (BRCA1 interacting DNA helicase 1; minus strand). Cytogenetic location: 17q23.2.
Variant type: single nucleotide variant.
Coding change: c.3535G>A on transcript NM_032043.3 (MANE Select); coding-DNA position 3535, G replaced by A.
Protein change: p.Val1179Ile; replaces valine 1179 with isoleucine.
Molecular consequence: missense variant.
Genome position (GRCh38, 1-based): chr17:61,683,511, C>T on the plus strand (G>A on the coding strand, the complement: BRIP1 is on the minus strand). VCF-style: chr17-61683511-C-T. GRCh37 (hg19) VCF-style: chr17-59760872-C-T.
Other names: short protein forms V1179I.
Identifiers: ClinVar variation 1718306 (VCV001718306.5), dbSNP rs781289228, ClinGen allele CA8690352.